The following is an entry in ClinVar:

ClinVar aggregate classification (germline): Uncertain significance (1 of 4 stars; one submission).

Conditions:
Severe X-linked myotubular myopathy (CNMX). Also called: MYOTUBULAR MYOPATHY 1; X-linked centronuclear myopathy; Myotubular myopathy, X-linked. Identifiers: Orphanet 596, MedGen C0410203, MONDO:0010683, OMIM 310400.

Allele frequency attached by ClinVar (database versions not stated): ExAC 0.00001; gnomAD 0.00001; gnomAD exomes 0.00001; TOPMed 0.00001.
gnomAD v4.1: 12 of 1,208,746 alleles (0.00099%); highest among the groups gnomAD compares: Middle Eastern, 0.023%; no homozygotes.

Submission:

Labcorp Genetics (formerly Invitae), Labcorp
Classification: Uncertain significance for Severe X-linked myotubular myopathy. Last evaluated: 2021-10-14. Review status: criteria provided, single submitter. Criteria: Invitae Variant Classification Sherloc (09022015). Collection method: clinical testing. Allele origin: germline.
Comment: This sequence change replaces arginine with glutamine at codon 570 of the MTM1 protein (p.Arg570Gln). The arginine residue is weakly conserved and there is a small physicochemical difference between arginine and glutamine. This variant is present in population databases (rs782469735, ExAC 0.01%). This variant has not been reported in the literature in individuals affected with MTM1-related conditions. Algorithms developed to predict the effect of missense changes on protein structure and function (SIFT, PolyPhen-2, Align-GVGD) all suggest that this variant is likely to be tolerated. In summary, the available evidence is currently insufficient to determine the role of this variant in disease. Therefore, it has been classified as a Variant of Uncertain Significance.

NM_000252.3(MTM1):c.1709G>A (p.Arg570Gln)

Gene: MTM1 (myotubularin 1; plus strand). Cytogenetic location: Xq28.
Variant type: single nucleotide variant.
Coding change: c.1709G>A on transcript NM_000252.3 (MANE Select); coding-DNA position 1709, G replaced by A.
Protein change: p.Arg570Gln; replaces arginine 570 with glutamine.
Molecular consequence: missense variant.
Genome position (GRCh38, 1-based): chrX:150,671,492, G>A. VCF-style: chrX-150671492-G-A. GRCh37 (hg19) VCF-style: chrX-149839965-G-A.
Other names: c.1706G>A, p.Arg569Gln (NM_001376906.1); c.1598G>A, p.Arg533Gln (NM_001376907.1); c.1709G>A, p.Arg570Gln (NM_001376908.1); short protein forms R533Q, R569Q, R570Q.
Identifiers: ClinVar variation 1472585 (VCV001472585.5), dbSNP rs782469735, ClinGen allele CA10539316.